The following is an entry in ClinVar:

ClinVar aggregate classification (germline): Benign (1 of 4 stars; one submission).

Submission:

CeGaT Center for Human Genetics Tuebingen
Classification: Benign. Last evaluated: 2025-06-01. Review status: criteria provided, single submitter. Criteria: CeGaT Center For Human Genetics Tuebingen Variant Classification Criteria Version 2. Collection method: clinical testing. Allele origin: germline. Affected: yes. Observed: 4 variant alleles.
Comment: KCNQ1OT1: BS1, BS2

NM_000218.3(KCNQ1):c.1514+37562_1514+37587del

Genes: KCNQ1 (potassium voltage-gated channel subfamily Q member 1; plus strand), KCNQ1OT1 (KCNQ1 opposite strand/antisense transcript 1; minus strand). Cytogenetic location: 11p15.5.
Variant type: Deletion.
Coding change: c.1514+37562_1514+37587del on transcript NM_000218.3 (MANE Select); bases 37562 to 37587 of the intron after coding-DNA position 1514, 26 bases deleted (CAACCGCGCCGAAGAACCCCCGGGGA).
Molecular consequence: intron variant.
Genome position (GRCh38, 1-based): chr11:2,699,643-2,699,668, CAACCGCGCCGAAGAACCCCCGGGGA deleted; deleting any 26 consecutive bases within chr11:2,699,618-2,699,668 gives the same sequence; the c. name uses the placement nearest the transcript's 3' end. VCF-style (leftmost placement, unchanged base first): chr11-2699617-GAACCGCGCCGAAGAACCCCCGGGGAC-G. GRCh37 (hg19) VCF-style: chr11-2720847-GAACCGCGCCGAAGAACCCCCGGGGAC-G.
Other names: c.1244+37562_1244+37587del (NM_001406837.1); c.1418+37562_1418+37587del (NM_001406836.1); c.974+37562_974+37587del (NM_001406838.1); c.1133+37562_1133+37587del (NM_181798.2).
Identifiers: ClinVar variation 2498501 (VCV002498501.28), dbSNP rs781369024, ClinGen allele CA472787492.